The following is an entry in ClinVar:

ClinVar aggregate classification (germline): Uncertain significance (1 of 4 stars; one submission).

Conditions:
Inborn genetic diseases. Identifiers: MedGen C0950123, MeSH D030342.

gnomAD v4.1: 2 of 1,613,988 alleles (0.00012%); highest among the groups gnomAD compares: Non-Finnish European, 0.000085%; no homozygotes.

Submission:

Ambry Genetics
Classification: Uncertain significance for Inborn genetic diseases. Last evaluated: 2025-09-25. Review status: criteria provided, single submitter. Criteria: Ambry Variant Classification Scheme 2023. Collection method: clinical testing. Allele origin: germline.
Comment: The c.3668C>T (p.P1223L) alteration is located in exon 30 (coding exon 30) of the ANK3 gene. This alteration results from a C to T substitution at nucleotide position 3668, causing the proline (P) at amino acid position 1223 to be replaced by a leucine (L). Based on data from gnomAD, the T allele has an overall frequency of <0.001% (1/251346) total alleles studied. The highest observed frequency was 0.001% (1/113662) of European (non-Finnish) alleles. Based on insufficient or conflicting evidence, the clinical significance of this alteration remains unclear.

NM_020987.5(ANK3):c.3668C>T (p.Pro1223Leu)

Gene: ANK3 (ankyrin 3; minus strand). Cytogenetic location: 10q21.2.
Variant type: single nucleotide variant.
Coding change: c.3668C>T on transcript NM_020987.5 (MANE Select); coding-DNA position 3668, C replaced by T.
Protein change: p.Pro1223Leu; replaces proline 1223 with leucine.
Molecular consequence: missense variant.
Genome position (GRCh38, 1-based): chr10:60,086,757, G>A on the plus strand (C>T on the coding strand, the complement: ANK3 is on the minus strand). VCF-style: chr10-60086757-G-A. GRCh37 (hg19) VCF-style: chr10-61846515-G-A.
Other names: c.1070C>T, p.Pro357Leu (NM_001149.4); c.3650C>T, p.Pro1217Leu (NM_001204403.2); c.3671C>T, p.Pro1224Leu (NM_001204404.2); c.3668C>T, p.Pro1223Leu (NM_001320874.2); short protein forms P1217L, P1224L, P357L, P1223L.
Identifiers: ClinVar variation 4577002 (VCV004577002.1).